The following is an entry in ClinVar:

ClinVar aggregate classification (germline): Likely benign. Review status: criteria provided, multiple submitters, no conflicts (2 of 4 stars). 6 submissions from 6 submitters: Likely benign (4). 2 of the submissions do not count toward it. Last evaluated 2023-12-07.

Conditions:
Hypertrophic cardiomyopathy. Also called: HYPERTROPHIC MYOCARDIOPATHY. Identifiers: Orphanet 217569, MedGen C0007194, MeSH D002312, MONDO:0005045, HP:0001639.
Cardiomyopathy (CMYO). Also called: Cardiomyopathies. Identifiers: Orphanet 167848, MedGen C0878544, MONDO:0004994, HP:0001638. Inheritance: Various modes of inheritance.

Allele frequency attached by ClinVar (database versions not stated): gnomAD exomes below 0.00001.
gnomAD v4.1: 4 of 1,613,006 alleles (0.00025%); highest among the groups gnomAD compares: South Asian, 0.0011%; no homozygotes.

Submissions (6):

All of Us Research Program, National Institutes of Health
Classification: Likely benign for Hypertrophic cardiomyopathy. Last evaluated: 2023-12-07. Review status: criteria provided, single submitter. Criteria: ACMG Guidelines, 2015. Collection method: clinical testing. Allele origin: germline. Inheritance: Autosomal dominant inheritance. Observed: 2 variant alleles, 2 heterozygotes.
Comment: This study involves interpretation of variants in research participants for the purpose of population health screening. Participant phenotype was not available at the time of variant classification. Additional details can be found in publication PMID: 35346344, PMCID: PMC8962531

Labcorp Genetics (formerly Invitae), Labcorp
Classification: Likely benign for Hypertrophic cardiomyopathy. Last evaluated: 2023-10-05. Review status: criteria provided, single submitter. Criteria: Invitae Variant Classification Sherloc (09022015). Collection method: clinical testing. Allele origin: germline.

Color Diagnostics, LLC DBA Color Health
Classification: Likely benign for Cardiomyopathy. Last evaluated: 2019-12-29. Review status: criteria provided, single submitter. Criteria: ACMG Guidelines, 2015. Collection method: clinical testing. Allele origin: germline.

CHEO Genetics Diagnostic Laboratory, Children's Hospital of Eastern Ontario
Classification: Likely benign for Cardiomyopathy. Last evaluated: 2018-01-22. Review status: criteria provided, single submitter. Criteria: ACMG Guidelines, 2015. Collection method: clinical testing. Allele origin: germline.

Clinical Genetics, Academic Medical Center
Classification: Benign. Review status: no assertion criteria provided. Collection method: clinical testing. Allele origin: germline. Affected: yes. Study: VKGL Data-share Consensus. Not counted in ClinVar's aggregate classification.

Diagnostic Laboratory, Department of Genetics, University Medical Center Groningen
Classification: Likely benign. Review status: no assertion criteria provided. Collection method: clinical testing. Allele origin: germline. Affected: yes. Study: VKGL Data-share Consensus. Not counted in ClinVar's aggregate classification.

NM_000256.3(MYBPC3):c.1311G>C (p.Val437=)

Gene: MYBPC3 (myosin binding protein C3; minus strand). Cytogenetic location: 11p11.2.
Variant type: single nucleotide variant.
Coding change: c.1311G>C on transcript NM_000256.3 (MANE Select); coding-DNA position 1311, G replaced by C.
Protein change: p.Val437=; no amino-acid change (valine 437 retained).
Molecular consequence: synonymous variant.
Genome position (GRCh38, 1-based): chr11:47,343,061, C>G on the plus strand (G>C on the coding strand, the complement: MYBPC3 is on the minus strand). VCF-style: chr11-47343061-C-G. GRCh37 (hg19) VCF-style: chr11-47364612-C-G.
Other names: c.1311G>C, p.Val437= (LRG_386t1).
Identifiers: ClinVar variation 414439 (VCV000414439.18), dbSNP rs1060504240, ClinGen allele CA16613586.